The following is an entry in ClinVar:

NM_001267550.2(TTN):c.46474del (p.Ala15492fs)

Genes: TTN (titin; minus strand), TTN-AS1 (TTN antisense RNA 1; plus strand). Cytogenetic location: 2q31.2.
Variant type: Deletion.
Coding change: c.46474del on transcript NM_001267550.2 (MANE Select); coding-DNA position 46474, one base deleted (G; older notation c.46474delG).
Protein change: p.Ala15492fs; shifts the reading frame from alanine 15492.
Molecular consequence: frameshift variant. On other transcripts: non-coding transcript variant (1).
Genome position (GRCh38, 1-based): chr2:178,619,843, C deleted on the plus strand (G on the coding strand, the reverse complement: TTN is on the minus strand). VCF-style (leftmost placement, unchanged base first): chr2-178619842-GC-G. GRCh37 (hg19) VCF-style: chr2-179484569-GC-G.
Other names: c.41551del, p.Ala13851fs (NM_001256850.1); c.19279del, p.Ala6427fs (NM_003319.4); c.38770del, p.Ala12924fs (NM_133378.4); c.19654del, p.Ala6552fs (NM_133432.3); c.19855del, p.Ala6619fs (NM_133437.4); c.19279delG (NM_003319.4); short protein forms A12924fs, A6427fs, A6552fs, A6619fs, A15492fs, A13851fs.
Identifiers: ClinVar variation 4193788 (VCV004193788.1).

ClinVar aggregate classification (germline): Likely pathogenic (1 of 4 stars; one submission).

Conditions:
Cardiovascular phenotype. Identifiers: MedGen CN230736.

Submission:

Ambry Genetics
Classification: Likely pathogenic for Cardiovascular phenotype. Last evaluated: 2025-09-08. Review status: criteria provided, single submitter. Criteria: Ambry Variant Classification Scheme 2023. Collection method: clinical testing. Allele origin: germline.
Comment: The c.19279delG variant, located in coding exon 77 of the TTN gene, results from a deletion of one nucleotide at nucleotide position 19279, causing a translational frameshift with a predicted alternate stop codon (p.A6427Pfs*9). This exon is located in the I-band region of the N2-B isoform of the titin protein and is constitutively expressed in TTN transcripts (percent spliced in or PSI 100%). This variant was reported in individual(s) with features consistent with dilated cardiomyopathy (Ambry internal data). This variant is considered to be rare based on population cohorts in the Genome Aggregation Database (gnomAD). This variant is expected to result in loss of function by premature protein truncation or nonsense-mediated mRNA decay. While truncating variants in TTN are present in 1-3% of the general population, truncating variants in the A-band are the most common cause of dilated cardiomyopathy (Herman DS et al. N. Engl. J. Med., 2012 Feb;366:619-28; Roberts AM et al. Sci Transl Med, 2015 Jan;7:270ra6). TTN truncating variants encoded in constitutive exons (PSI >90%) have been found to be significantly associated with DCM regardless of their position in titin (Schafer S et al. Nat. Genet., 2017 01;49:46-53; Akhtar MM et al. Circ Heart Fail, 2020 Oct;13:e006832; Massier M et al. Clin Genet, 2025 Jan). Based on the majority of available evidence to date, this variant is likely to be pathogenic.